The following continues an entry in ClinVar:

NM_002528.7(NTHL1):c.244C>T (p.Gln82Ter)

ClinVar aggregate classification (germline): Pathogenic/Likely pathogenic. Pathogenic (35); Likely pathogenic (1).

Submissions 34 to 44 of 44:

GeneDx
Classification: Pathogenic. Last evaluated: 2020-01-29. Review status: criteria provided, single submitter. Criteria: GeneDx Variant Classification Process June 2021. Collection method: clinical testing. Allele origin: germline. Affected: yes.
Comment: Nonsense variant predicted to result in protein truncation or nonsense mediated decay in a gene for which loss-of-function is a known mechanism of disease; This variant is associated with the following publications: (PMID: 27712984, 29105096, 31645984, 18515411, 23852950, 26553438, 25525159, 26427841, 25938944, 26559593, 27713038, 27329137, 28306719, 26431160, 27720914, 29454559, 29909963, 30552997, 29900613, 30753826, 31227763, 31243857, 31285513, 30859360, 30248171, 30267214, 30877237, 31263571, 31980526, 32581362, 33193653, 32860789, 32949222)

Academic Department of Medical Genetics, University of Cambridge
Classification: Pathogenic for Hereditary cancer-predisposing syndrome. Last evaluated: 2018-01-26. Review status: criteria provided, single submitter. Criteria: ACMG Guidelines, 2015. Collection method: research. Allele origin: germline. Affected: yes. Observed: 3 homozygotes. Clinical features observed: Adenocarcinoma of the large intestine (HP:0040275), Breast carcinoma (HP:0003002), Laryngeal carcinoma (HP:0012118), Intracranial meningioma (HP:0100009).
Comment: Application of AMCG guidelines 2015. Used other ClinVar submission evidence where relevant. Loss of heterozygosity in tumours or immunohistochemistry abnormalities considered functional evidence of pathogenicity.

Identified as part of research study of individuals with multiple primary tumours referred for genetic assessment

University Health Network, Familial Cancer Clinic, Princess Margaret Cancer Centre
Classification: Pathogenic for NTHL1-deficiency tumor predisposition syndrome. Review status: criteria provided, single submitter. Criteria: ACMG Guidelines, 2015. Collection method: clinical testing. Allele origin: germline. Inheritance: Autosomal recessive inheritance. Affected: no. Observed: 1 variant allele.

Zotz-Klimas Genetics Lab, MVZ Zotz Klimas
Classification: Pathogenic for Familial adenomatous polyposis 3. Last evaluated: 2023-10-09. Review status: no assertion criteria provided. Collection method: clinical testing. Allele origin: germline. Affected: yes. Not counted in ClinVar's aggregate classification.

OMIM
Classification: Pathogenic for FAMILIAL ADENOMATOUS POLYPOSIS 3. Last evaluated: 2015-06-01. Review status: no assertion criteria provided. Collection method: literature only. Allele origin: unknown. Not counted in ClinVar's aggregate classification.

Clinical Genetics DNA and cytogenetics Diagnostics Lab, Erasmus MC, Erasmus Medical Center
Classification: Pathogenic. Review status: no assertion criteria provided. Collection method: clinical testing. Allele origin: germline. Affected: yes. Study: VKGL Data-share Consensus. Not counted in ClinVar's aggregate classification.

Clinical Genetics, Academic Medical Center
Classification: Pathogenic. Review status: no assertion criteria provided. Collection method: clinical testing. Allele origin: germline. Affected: yes. Study: VKGL Data-share Consensus. Not counted in ClinVar's aggregate classification.

Department of Pathology and Laboratory Medicine, Sinai Health System
Classification: Pathogenic for Familial adenomatous polyposis 3. Review status: no assertion criteria provided. Collection method: clinical testing. Allele origin: unknown. Affected: yes. Study: The Canadian Open Genetics Repository (COGR). Not counted in ClinVar's aggregate classification.
Comment: This pathogenic variant is denoted NTHL1 c.268C>T at the cDNA level and p.Gln90Ter (Q90X) (aka: NM_001318193.2:c.244C>T; NP_001305122.2:p.Gln82Ter) at the protein level. The substitution creates a nonsense variant, which changes a Glycine to a premature stop codon (CAG>TAG), and is predicted to cause loss of normal protein function through either protein truncation or nonsense-mediated mRNA decay. This variant has been observed in several individuals with colorectal cancer and/or adenomas (Dallosso 2008, Rivera 2015, Timofeeva 2015, Weren 2015). Weren et al. (2015) identified NTHL1 Gln90Ter in the homozygous state in 7 individuals from three families with a history of multiple colorectal adenomas and/or colorectal cancer. Additionally, Rivera et al. (2015) identified NTHL1 Gln90Ter in the compound heterozygous state with a canonical splice variant, confirmed to be in trans through familial testing, in an individual with colon cancer, multiple colorectal adenomas, and other neoplasms. Lastly, other studies identified NTHL1 Gln90Ter in the homozygous or compound heterozygous state in several unrelated individuals with colorectal adenomas and colorectal cancer (Chubb 2016, Belhadj 2017, Broderick 2017). Based on currently available information, we consider NTHL1 Gln90Ter to be pathogenic. Of note, NTHL1-Associated Polyposis (NAP) is a recessive condition associated with two pathogenic variants on opposite chromosomes in NTHL1. We cannot exclude the possibility that this patient harbors a second disease-causing NTHL1 pathogenic variant that is undetectable by this test. NTHL1 has only recently been described in association with cancer predisposition and the risks are not well understood. Based on available data, the presence of two pathogenic variants in NTHL1 is indicative of NTHL1-Associated Polyposis (NAP), an autosomal recessive condition that may confer an increased risk for colorectal cancer and polyps. Although the development of colorectal cancer and attenuated polyposis appears to be the predominant feature of NAP, multiple case reports have described individuals with NAP to have developed multiple extracolonic neoplasms, including breast, endometrial, bladder, and skin cancers as well as several benign findings (Rivera 2015, Weren 2015, Belhadj 2017). The National Comprehensive Cancer Network has management guidelines for individuals with two pathogenic variants in NTHL1 (NCCN) (ClinVar- GeneDx; modified)

Diagnostic Laboratory, Department of Genetics, University Medical Center Groningen
Classification: Pathogenic. Review status: no assertion criteria provided. Collection method: clinical testing. Allele origin: germline. Affected: yes. Study: VKGL Data-share Consensus. Not counted in ClinVar's aggregate classification.

Genome Diagnostics Laboratory, Amsterdam University Medical Center
Classification: Likely pathogenic. Review status: no assertion criteria provided. Collection method: clinical testing. Allele origin: germline. Affected: yes. Study: VKGL Data-share Consensus. Not counted in ClinVar's aggregate classification.

Eurofins Ntd Llc (ga)
Classification: Uncertain significance. Last evaluated: 2017-01-13. Review status: flagged submission. Criteria: EGL Classification Definitions 2015. Collection method: clinical testing. Allele origin: germline. Observed: 1 variant allele, 1 heterozygote. Not counted in ClinVar's aggregate classification.
ClinVar note: Reason: Older and outlier claim with insufficient supporting evidence

Literature cited by the submitters: PubMed 25938944 (cited by 11 submitters); PubMed 26553438 (cited by Dasa and Quest Diagnostics Nichols Institute San Juan Capistrano); PubMed 26559593 (cited by 6 submitters); PubMed 30753826 (cited by 5 submitters); PubMed 27713038 (cited by 3 submitters); PubMed 27720914 (cited by 6 submitters); PubMed 29909963 (cited by Dasa and Quest Diagnostics Nichols Institute San Juan Capistrano); PubMed 33193653 (cited by Dasa and Quest Diagnostics Nichols Institute San Juan Capistrano); PubMed 31227763 (cited by Center for Genomic Medicine, Rigshospitalet, Copenhagen University Hospital and Variantyx, Inc.); PubMed 30859360 (cited by Center for Genomic Medicine, Rigshospitalet, Copenhagen University Hospital); PubMed 31645984 (cited by 3 submitters); PubMed 37727376 (cited by Variantyx, Inc. and Quest Diagnostics Nichols Institute San Juan Capistrano); PubMed 33454955 (cited by Quest Diagnostics Nichols Institute San Juan Capistrano and Genetics and Molecular Pathology, SA Pathology); PubMed 38036545 (cited by Quest Diagnostics Nichols Institute San Juan Capistrano); PubMed 26431160 (cited by 3 submitters); PubMed 18515411 (cited by 3 submitters); PubMed 26649986 (cited by Ambry Genetics); PubMed 30248171 (cited by Mayo Clinic Laboratories, Mayo Clinic and Sema4); PubMed 31285513 (cited by Genetics and Molecular Pathology, SA Pathology).